The following is an entry in ClinVar:

NM_018082.6(POLR3B):c.2334G>A (p.Thr778=)

Gene: POLR3B (RNA polymerase III subunit B; plus strand). Cytogenetic location: 12q23.3.
Variant type: single nucleotide variant.
Coding change: c.2334G>A on transcript NM_018082.6 (MANE Select); coding-DNA position 2334, G replaced by A.
Protein change: p.Thr778=; no amino-acid change (threonine 778 retained).
Molecular consequence: synonymous variant.
Genome position (GRCh38, 1-based): chr12:106,457,178, G>A. VCF-style: chr12-106457178-G-A. GRCh37 (hg19) VCF-style: chr12-106850956-G-A.
Other names: c.2160G>A, p.Thr720= (NM_001160708.2).
Identifiers: ClinVar variation 306943 (VCV000306943.26), dbSNP rs150800622, ClinGen allele CA6762170.

ClinVar aggregate classification (germline): Conflicting classifications of pathogenicity. Review status: criteria provided, conflicting classifications (1 of 4 stars). 5 submissions from 5 submitters: Uncertain significance (1); Likely benign (4). Last evaluated 2026-01-15.

Conditions:
Leukodystrophy, hypomyelinating, 8, with or without oligodontia and/or hypogonadotropic hypogonadism. Also called: LEUKODYSTROPHY, HYPOMYELINATING, 8, WITH HYPODONTIA AND HYPOGONADOTROPIC HYPOGONADISM; Hypomyelinating leukodystrophy 8 with or without oligodontia and-or hypogonadotropic hypogonadism; Endosteal sclerosis-cerebellar hypoplasia syndrome. Identifiers: Orphanet 85186, Orphanet 88637, MedGen C3280644, MONDO:0013722, OMIM 614381.

Allele frequency attached by ClinVar (database versions not stated): 1000 Genomes Project 30x 0.00016; TOPMed 0.00025; gnomAD 0.00026 and 0.00027; 1000 Genomes Project 0.00020; ExAC 0.00021; gnomAD exomes 0.00027; ESP Exome Variant Server 0.00046.
gnomAD v4.1: 719 of 1,613,226 alleles (0.045%); highest among the groups gnomAD compares: South Asian, 0.064%; 1 homozygote.

Submissions (5):

Labcorp Genetics (formerly Invitae), Labcorp
Classification: Likely benign. Last evaluated: 2026-01-15. Review status: criteria provided, single submitter. Criteria: Invitae Variant Classification Sherloc (09022015). Collection method: clinical testing. Allele origin: germline.

CeGaT Center for Human Genetics Tuebingen
Classification: Likely benign. Last evaluated: 2025-11-01. Review status: criteria provided, single submitter. Criteria: CeGaT Center For Human Genetics Tuebingen Variant Classification Criteria Version 2. Collection method: clinical testing. Allele origin: germline. Affected: yes. Observed: 4 variant alleles.
Comment: POLR3B: BP4, BP7

Blueprint Genetics
Classification: Likely benign. Last evaluated: 2024-10-17. Review status: criteria provided, single submitter. Criteria: ACMG Guidelines, 2015. Collection method: clinical testing. Allele origin: germline.

GeneDx
Classification: Likely benign. Last evaluated: 2021-07-07. Review status: criteria provided, single submitter. Criteria: GeneDx Variant Classification Process June 2021. Collection method: clinical testing. Allele origin: germline. Affected: yes.

Illumina Laboratory Services, Illumina
Classification: Uncertain significance for Leukodystrophy, hypomyelinating, 8, with or without oligodontia and/or hypogonadotropic hypogonadism. Last evaluated: 2018-01-13. Review status: criteria provided, single submitter. Criteria: ICSL Variant Classification Criteria 13 December 2019. Collection method: clinical testing. Allele origin: germline.